The following is an entry in ClinVar:

ClinVar aggregate classification (germline): Uncertain significance (1 of 4 stars; one submission).

Conditions:
Inborn genetic diseases. Identifiers: MedGen C0950123, MeSH D030342.

Submission:

Ambry Genetics
Classification: Uncertain significance for Inborn genetic diseases. Last evaluated: 2025-09-28. Review status: criteria provided, single submitter. Criteria: Ambry Variant Classification Scheme 2023. Collection method: clinical testing. Allele origin: germline.
Comment: The p.L1213P variant (also known as c.3638T>C), located in coding exon 13 of the ASXL1 gene, results from a T to C substitution at nucleotide position 3638. The leucine at codon 1213 is replaced by proline, an amino acid with similar properties. This amino acid position is conserved. In addition, this alteration is predicted to be tolerated by in silico analysis. Based on the available evidence, the clinical significance of this variant remains unclear.

NM_015338.6(ASXL1):c.3638T>C (p.Leu1213Pro)

Gene: ASXL1 (ASXL transcriptional regulator 1; plus strand). Cytogenetic location: 20q11.21.
Variant type: single nucleotide variant.
Coding change: c.3638T>C on transcript NM_015338.6 (MANE Select); coding-DNA position 3638, T replaced by C.
Protein change: p.Leu1213Pro; replaces leucine 1213 with proline.
Molecular consequence: missense variant.
Genome position (GRCh38, 1-based): chr20:32,436,350, T>C. VCF-style: chr20-32436350-T-C. GRCh37 (hg19) VCF-style: chr20-31024153-T-C.
Other names: c.3455T>C, p.Leu1152Pro (NM_001363734.1); short protein forms L1213P, L1152P.
Identifiers: ClinVar variation 4587416 (VCV004587416.1).